The following is an entry in ClinVar:

NM_015015.3(KDM4B):c.3104G>A (p.Arg1035His)

Gene: KDM4B (lysine demethylase 4B; plus strand). Cytogenetic location: 19p13.3.
Variant type: single nucleotide variant.
Coding change: c.3104G>A on transcript NM_015015.3 (MANE Select); coding-DNA position 3104, G replaced by A.
Protein change: p.Arg1035His; replaces arginine 1035 with histidine.
Molecular consequence: missense variant.
Genome position (GRCh38, 1-based): chr19:5,150,440, G>A. VCF-style: chr19-5150440-G-A. GRCh37 (hg19) VCF-style: chr19-5150451-G-A.
Other names: c.3206G>A, p.Arg1069His (NM_001411148.1); short protein forms R1035H, R1069H.
Identifiers: ClinVar variation 2411125 (VCV002411125.2), dbSNP rs1362124908, ClinGen allele CA403511667.
Genomic context (GRCh38, chr19:5,150,440, plus strand): 5'-AGCTGACGGTGAAGCGTGGGGACATCTTCACCCTGGAGGAGGAGCTGCCCAAGAGGGTCC[G>A]CTCTCGGCTGGTGAGTGCGCGAGGCTGGCCTGGTGGCTCCGGGTGACTCAGGGAGCCCGT-3'
Protein context (NP_055830.1, residues 1025-1045): TLEEELPKRV[Arg1035His]SRLSLSTGAP

ClinVar aggregate classification (germline): Uncertain significance (1 of 4 stars; one submission).

Conditions:
Inborn genetic diseases. Identifiers: MedGen C0950123, MeSH D030342.

Allele frequency attached by ClinVar (database versions not stated): gnomAD exomes below 0.00001.
gnomAD v4.1: 3 of 1,550,004 alleles (0.00019%); highest among the groups gnomAD compares: Non-Finnish European, 0.00026%; no homozygotes.

Submission:

Ambry Genetics
Classification: Uncertain significance for Inborn genetic diseases. Last evaluated: 2021-11-17. Review status: criteria provided, single submitter. Criteria: Ambry Variant Classification Scheme 2023. Collection method: clinical testing. Allele origin: germline.
Comment: The c.3104G>A (p.R1035H) alteration is located in exon 22 (coding exon 20) of the KDM4B gene. This alteration results from a G to A substitution at nucleotide position 3104, causing the arginine (R) at amino acid position 1035 to be replaced by a histidine (H). This variant was not reported in population-based cohorts in the Genome Aggregation Database (gnomAD). This amino acid position is not well conserved in available vertebrate species. This alteration is predicted to be tolerated by in silico analysis. Based on insufficient or conflicting evidence, the clinical significance of this alteration remains unclear.